The following is an entry in ClinVar:

NM_001321075.3(DLG4):c.1163T>C (p.Ile388Thr)

Genes: DLG4 (discs large MAGUK scaffold protein 4; minus strand), LOC126862479 (MED14-independent group 3 enhancer GRCh37_chr17:7099412-7100611; plus strand). Cytogenetic location: 17p13.1.
Variant type: single nucleotide variant.
Coding change: c.1163T>C on transcript NM_001321075.3 (MANE Select); coding-DNA position 1163, T replaced by C.
Protein change: p.Ile388Thr; replaces isoleucine 388 with threonine.
Molecular consequence: missense variant. On other transcripts: non-coding transcript variant (1).
Genome position (GRCh38, 1-based): chr17:7,196,496, A>G on the plus strand (T>C on the coding strand, the complement: DLG4 is on the minus strand). VCF-style: chr17-7196496-A-G. GRCh37 (hg19) VCF-style: chr17-7099815-A-G.
Other names: c.1154T>C, p.Ile385Thr (NM_001128827.4); c.1283T>C, p.Ile428Thr (NM_001321074.1); c.983T>C, p.Ile328Thr (NM_001321076.3, NM_001321077.3); c.1292T>C, p.Ile431Thr (NM_001365.5); c.1082T>C, p.Ile361Thr (NM_001369566.3); short protein forms I328T, I361T, I385T, I388T, I428T, I431T.
Identifiers: ClinVar variation 3343412 (VCV003343412.1).

ClinVar aggregate classification (germline): Uncertain significance (1 of 4 stars; one submission).

Submission:

GeneDx
Classification: Uncertain significance. Last evaluated: 2023-05-23. Review status: criteria provided, single submitter. Criteria: GeneDx Variant Classification Process June 2021. Collection method: clinical testing. Allele origin: germline. Affected: yes.
Comment: Not observed at significant frequency in large population cohorts (gnomAD); In silico analysis supports that this missense variant has a deleterious effect on protein structure/function; Has not been previously published as pathogenic or benign to our knowledge